The following is an entry in ClinVar:

ClinVar aggregate classification (germline): Uncertain significance. Review status: criteria provided, multiple submitters, no conflicts (2 of 4 stars). 3 submissions from 3 submitters: Uncertain significance (2). 1 of the submissions does not count toward it. Last evaluated 2026-01-19.

Conditions:
Hereditary cancer-predisposing syndrome. Also called: Neoplastic Syndromes, Hereditary; Tumor predisposition; Hereditary Cancer Syndrome; Hereditary neoplastic syndrome. Identifiers: Orphanet 140162, MedGen C0027672, MeSH D009386, MONDO:0015356.
RET-related disorder. Also called: RET-related condition; RET-related disease; RET-related disorders.
Multiple endocrine neoplasia, type 2 (MEN2). Identifiers: Orphanet 653, MedGen C4048306, MONDO:0019003. Disease mechanism: gain of function.

Allele frequency attached by ClinVar (database versions not stated): gnomAD exomes below 0.00001; ExAC 0.00002.
gnomAD v4.1: 2 of 1,614,174 alleles (0.00012%); highest among the groups gnomAD compares: Non-Finnish European, 0.00017%; no homozygotes.

Submissions (3):

Labcorp Genetics (formerly Invitae), Labcorp
Classification: Uncertain significance for Multiple endocrine neoplasia, type 2. Last evaluated: 2026-01-19. Review status: criteria provided, single submitter. Criteria: Invitae Variant Classification Sherloc (09022015). Collection method: clinical testing. Allele origin: germline.
Comment: This sequence change replaces phenylalanine, which is neutral and non-polar, with serine, which is neutral and polar, at codon 1112 of the RET protein (p.Phe1112Ser). This variant is present in population databases (rs756449491, gnomAD 0.002%). This variant has not been reported in the literature in individuals affected with RET-related conditions. ClinVar contains an entry for this variant (Variation ID: 1730353). An algorithm developed to predict the effect of missense changes on protein structure and function (PolyPhen-2) suggests that this variant is likely to be tolerated. In summary, the available evidence is currently insufficient to determine the role of this variant in disease. Therefore, it has been classified as a Variant of Uncertain Significance.

Ambry Genetics
Classification: Uncertain significance for Hereditary cancer-predisposing syndrome. Last evaluated: 2023-06-06. Review status: criteria provided, single submitter. Criteria: Ambry Variant Classification Scheme 2023. Collection method: clinical testing. Allele origin: germline.
Comment: The p.F1112S variant (also known as c.3335T>C), located in coding exon 20 of the RET gene, results from a T to C substitution at nucleotide position 3335. The phenylalanine at codon 1112 is replaced by serine, an amino acid with highly dissimilar properties. This amino acid position is not well conserved in available vertebrate species. In addition, the in silico prediction for this alteration is inconclusive. Since supporting evidence is limited at this time, the clinical significance of this alteration remains unclear.

PreventionGenetics, part of Exact Sciences
Classification: Uncertain significance for RET-related condition. Last evaluated: 2024-03-08. Review status: no assertion criteria provided. Collection method: clinical testing. Allele origin: germline. Not counted in ClinVar's aggregate classification.
Comment: The RET c.3335T>C variant is predicted to result in the amino acid substitution p.Phe1112Ser. To our knowledge, this variant has not been reported in the literature. This variant is reported in 0.0018% of alleles in individuals of European (Non-Finnish) descent in gnomAD. At this time, the clinical significance of this variant is uncertain due to the absence of conclusive functional and genetic evidence.

NM_020975.6(RET):c.3335T>C (p.Phe1112Ser)

Gene: RET (ret proto-oncogene; plus strand). Cytogenetic location: 10q11.21.
Variant type: single nucleotide variant.
Coding change: c.3335T>C on transcript NM_020975.6 (MANE Select); coding-DNA position 3335, T replaced by C.
Protein change: p.Phe1112Ser; replaces phenylalanine 1112 with serine.
Molecular consequence: missense variant.
Genome position (GRCh38, 1-based): chr10:43,128,259, T>C. VCF-style: chr10-43128259-T-C. GRCh37 (hg19) VCF-style: chr10-43623707-T-C.
Other names: c.3335T>C, p.Phe1112Ser (NM_000323.2, NM_001406743.1); c.*1505T>C (NM_001355216.2, NM_001406764.1, NM_001406765.1 and 15 more transcripts); c.3275T>C, p.Phe1092Ser (NM_001406759.1, NM_001406760.1); c.3206T>C, p.Phe1069Ser (NM_001406761.1, NM_001406762.1); c.3200T>C, p.Phe1067Ser (NM_001406763.1); c.3047T>C, p.Phe1016Ser (NM_001406766.1, NM_001406767.1); c.2939T>C, p.Phe980Ser (NM_001406769.1); c.2897T>C, p.Phe966Ser (NM_001406771.1); and 7 more; short protein forms F1016S, F1067S, F1112S, F609S, F850S, F1092S, F629S, F980S.
Identifiers: ClinVar variation 1730353 (VCV001730353.5), dbSNP rs756449491, ClinGen allele CA055110.